The following is an entry in ClinVar:

NM_002184.4(IL6ST):c.223C>A (p.Pro75Thr)

Gene: IL6ST (interleukin 6 cytokine family signal transducer; minus strand). Cytogenetic location: 5q11.2.
Variant type: single nucleotide variant.
Coding change: c.223C>A on transcript NM_002184.4 (MANE Select); coding-DNA position 223, C replaced by A.
Protein change: p.Pro75Thr; replaces proline 75 with threonine.
Molecular consequence: missense variant. On other transcripts: 5 prime UTR variant (3), non-coding transcript variant (2), intron variant (1).
Genome position (GRCh38, 1-based): chr5:55,969,697, G>T on the plus strand (C>A on the coding strand, the complement: IL6ST is on the minus strand). VCF-style: chr5-55969697-G-T. GRCh37 (hg19) VCF-style: chr5-55265525-G-T.
Other names: c.223C>A, p.Pro75Thr (NM_001190981.2, NM_001364275.2, NM_175767.3); c.-570C>A (NM_001364277.2, NM_001364279.2); c.-560C>A (NM_001364278.2); c.160+63C>A (NM_001364276.2); short protein forms P75T.
Identifiers: ClinVar variation 4038476 (VCV004038476.3).

ClinVar aggregate classification (germline): Uncertain significance. Review status: criteria provided, multiple submitters, no conflicts (2 of 4 stars). 3 submissions from 3 submitters: Uncertain significance (3). Last evaluated 2025-12-22.

gnomAD v4.1: 66 of 1,612,244 alleles (0.0041%); highest among the groups gnomAD compares: South Asian, 0.06%; no homozygotes.

Submissions (3):

Labcorp Genetics (formerly Invitae), Labcorp
Classification: Uncertain significance. Last evaluated: 2025-12-22. Review status: criteria provided, single submitter. Criteria: Invitae Variant Classification Sherloc (09022015). Collection method: clinical testing. Allele origin: germline.
Comment: This sequence change replaces proline, which is neutral and non-polar, with threonine, which is neutral and polar, at codon 75 of the IL6ST protein (p.Pro75Thr). This variant is present in population databases (rs554002581, gnomAD 0.06%). This variant has not been reported in the literature in individuals affected with IL6ST-related conditions. ClinVar contains an entry for this variant (Variation ID: 4038476). An algorithm developed to predict the effect of missense changes on protein structure and function (PolyPhen-2) suggests that this variant is likely to be disruptive. In summary, the available evidence is currently insufficient to determine the role of this variant in disease. Therefore, it has been classified as a Variant of Uncertain Significance.

Ambry Genetics
Classification: Uncertain significance. Last evaluated: 2025-05-13. Review status: criteria provided, single submitter. Criteria: Ambry Variant Classification Scheme 2023. Collection method: clinical testing. Allele origin: germline.

Blueprint Genetics
Classification: Uncertain significance. Last evaluated: 2023-08-01. Review status: criteria provided, single submitter. Criteria: ACMG Guidelines, 2015. Collection method: clinical testing. Allele origin: germline.